The following is an entry in ClinVar:

ClinVar aggregate classification (germline): Uncertain significance (1 of 4 stars; one submission).

Conditions:
Fanconi anemia (FA). Also called: Fanconi's anemia. Identifiers: Orphanet 84, MedGen C0015625, MeSH D005199, MONDO:0019391.

Allele frequency attached by ClinVar (database versions not stated): gnomAD exomes below 0.00001; TOPMed below 0.00001; ExAC 0.00002.
gnomAD v4.1: 7 of 1,614,162 alleles (0.00043%); highest among the groups gnomAD compares: South Asian, 0.0066%; no homozygotes.

Submission:

Labcorp Genetics (formerly Invitae), Labcorp
Classification: Uncertain significance for Fanconi anemia. Last evaluated: 2023-09-22. Review status: criteria provided, single submitter. Criteria: Invitae Variant Classification Sherloc (09022015). Collection method: clinical testing. Allele origin: germline.
Comment: An algorithm developed to predict the effect of missense changes on protein structure and function (PolyPhen-2) suggests that this variant is likely to be tolerated. This sequence change replaces threonine, which is neutral and polar, with serine, which is neutral and polar, at codon 1104 of the FANCI protein (p.Thr1104Ser). This variant is present in population databases (rs774246445, gnomAD 0.006%). This variant has not been reported in the literature in individuals affected with FANCI-related conditions. In summary, the available evidence is currently insufficient to determine the role of this variant in disease. Therefore, it has been classified as a Variant of Uncertain Significance.

NM_001113378.2(FANCI):c.3311C>G (p.Thr1104Ser)

Gene: FANCI (FA complementation group I; plus strand). Cytogenetic location: 15q26.1.
Variant type: single nucleotide variant.
Coding change: c.3311C>G on transcript NM_001113378.2 (MANE Select); coding-DNA position 3311, C replaced by G.
Protein change: p.Thr1104Ser; replaces threonine 1104 with serine.
Molecular consequence: missense variant.
Genome position (GRCh38, 1-based): chr15:89,305,660, C>G. VCF-style: chr15-89305660-C-G. GRCh37 (hg19) VCF-style: chr15-89848891-C-G.
Other names: c.3032C>G, p.Thr1011Ser (NM_001376910.1); c.3311C>G, p.Thr1104Ser (NM_001376911.1); c.3131C>G, p.Thr1044Ser (NM_018193.3); short protein forms T1104S, T1011S, T1044S.
Identifiers: ClinVar variation 2894446 (VCV002894446.3), dbSNP rs774246445, ClinGen allele CA7723679.